The following is an entry in ClinVar:

ClinVar aggregate classification (germline): Likely benign. Review status: criteria provided, multiple submitters, no conflicts (2 of 4 stars). 4 submissions from 4 submitters: Likely benign (4). Last evaluated 2025-12-08.

Conditions:
Catecholaminergic polymorphic ventricular tachycardia 1. Also called: VENTRICULAR TACHYCARDIA, STRESS-INDUCED POLYMORPHIC 1; VENTRICULAR TACHYCARDIA, CATECHOLAMINERGIC POLYMORPHIC, 1, WITH OR WITHOUT ATRIAL DYSFUNCTION AND/OR DILATED CARDIOMYOPATHY; RYR2-Related Catecholaminergic Polymorphic Ventricular Tachycardia. Identifiers: Orphanet 3286, MedGen C1631597, MONDO:0011484, OMIM 604772.
Cardiovascular phenotype. Identifiers: MedGen CN230736.
Catecholaminergic polymorphic ventricular tachycardia (CVPT). Also called: Catecholamine-induced polymorphic ventricular tachycardia. Identifiers: Orphanet 3286, MedGen C5574922, MONDO:0017990.

Submissions (4):

Labcorp Genetics (formerly Invitae), Labcorp
Classification: Likely benign for Catecholaminergic polymorphic ventricular tachycardia 1. Last evaluated: 2025-12-08. Review status: criteria provided, single submitter. Criteria: Invitae Variant Classification Sherloc (09022015). Collection method: clinical testing. Allele origin: germline.

Women's Health and Genetics/Laboratory Corporation of America, LabCorp
Classification: Likely benign. Last evaluated: 2025-04-07. Review status: criteria provided, single submitter. Criteria: LabCorp Variant Classification Summary - May 2015. Collection method: clinical testing. Allele origin: germline.

All of Us Research Program, National Institutes of Health
Classification: Likely benign for Catecholaminergic polymorphic ventricular tachycardia. Last evaluated: 2023-08-28. Review status: criteria provided, single submitter. Criteria: ACMG Guidelines, 2015. Collection method: clinical testing. Allele origin: germline. Inheritance: Autosomal dominant inheritance. Observed: 2 variant alleles, 2 heterozygotes.
Comment: This study involves interpretation of variants in research participants for the purpose of population health screening. Participant phenotype was not available at the time of variant classification. Additional details can be found in publication PMID: 35346344, PMCID: PMC8962531

Ambry Genetics
Classification: Likely benign for Cardiovascular phenotype. Last evaluated: 2019-12-21. Review status: criteria provided, single submitter. Criteria: Ambry Variant Classification Scheme 2023. Collection method: clinical testing. Allele origin: germline.

NM_001035.3(RYR2):c.13269G>A (p.Lys4423=)

Gene: RYR2 (ryanodine receptor 2; plus strand). Cytogenetic location: 1q43.
Variant type: single nucleotide variant.
Coding change: c.13269G>A on transcript NM_001035.3 (MANE Select); coding-DNA position 13269, G replaced by A.
Protein change: p.Lys4423=; no amino-acid change (lysine 4423 retained).
Molecular consequence: synonymous variant.
Genome position (GRCh38, 1-based): chr1:237,785,977, G>A. VCF-style: chr1-237785977-G-A. GRCh37 (hg19) VCF-style: chr1-237949277-G-A.
Identifiers: ClinVar variation 1588397 (VCV001588397.14), dbSNP rs1695515888, ClinGen allele CA423825818.